The following is an entry in ClinVar:

ClinVar aggregate classification (germline): Likely pathogenic (0 of 4 stars; one submission).

Conditions:
EP300-related disorder. Also called: EP300-related disorders; EP300-related condition.

Submission:

PreventionGenetics, part of Exact Sciences
Classification: Likely pathogenic for EP300-related condition. Last evaluated: 2023-10-20. Review status: no assertion criteria provided. Collection method: clinical testing. Allele origin: germline.
Comment: The EP300 c.6634delC variant is predicted to result in a frameshift and premature protein termination (p.Gln2212Serfs*31). To our knowledge, this variant has not been reported in the literature or in a large population database, indicating this variant is rare. Frameshift variants in EP300 are expected to be pathogenic. Please note that this variant is located in the terminal exon 31. This variant is interpreted as likely pathogenic.

NM_001429.4(EP300):c.6634del (p.Gln2212fs)

Gene: EP300 (E1A binding protein p300; plus strand). Cytogenetic location: 22q13.2.
Variant type: Deletion.
Coding change: c.6634del on transcript NM_001429.4 (MANE Select); coding-DNA position 6634, one base deleted (C; older notation c.6634delC).
Protein change: p.Gln2212fs; shifts the reading frame from glutamine 2212.
Molecular consequence: frameshift variant.
Genome position (GRCh38, 1-based): chr22:41,178,345, C deleted; the last of 2 consecutive C bases (chr22:41,178,344-41,178,345); deleting either gives the same sequence. VCF-style (leftmost placement, unchanged base first): chr22-41178343-TC-T. GRCh37 (hg19) VCF-style: chr22-41574347-TC-T.
Other names: c.6556del, p.Gln2186fs (NM_001362843.2); short protein forms Q2186fs, Q2212fs.
Identifiers: ClinVar variation 3348166 (VCV003348166.1).
Genomic context (GRCh38, chr22:41,178,343, plus strand): 5'-AGCAGCAGCAACAGGGAGCAGGGCCAGGAATAGGCCCTGGAATGGCCAACCATAACCAGT[TC>T]CAGCAACCCCAAGGAGTTGGCTACCCACCACAGCAGCAGCAGCGGATGCAGCATCACATG-3'